The following is an entry in ClinVar:

ClinVar aggregate classification (germline): Conflicting classifications of pathogenicity. Review status: criteria provided, conflicting classifications (1 of 4 stars). 4 submissions from 4 submitters: Uncertain significance (3); Likely benign (1). Last evaluated 2026-05-06.

Conditions:
JPH2-related disorder. Also called: JPH2-related condition.
Cardiovascular phenotype. Identifiers: MedGen CN230736.

Allele frequency attached by ClinVar (database versions not stated): gnomAD 0.00001; ExAC 0.00002; TOPMed 0.00003.
gnomAD v4.1: 15 of 1,587,742 alleles (0.00094%); highest among the groups gnomAD compares: Admixed American, 0.015%; no homozygotes.

Submissions (4):

PreventionGenetics, part of Exact Sciences
Classification: Likely benign for JPH2-related condition. Last evaluated: 2026-05-06. Review status: criteria provided, single submitter. Criteria: ACMG Guidelines, 2015. Collection method: clinical testing. Allele origin: germline.
Comment: This variant is classified as likely benign based on ACMG/AMP sequence variant interpretation guidelines (Richards et al. 2015 PMID: 25741868, with internal and published modifications).

GeneDx
Classification: Uncertain significance. Last evaluated: 2025-11-11. Review status: criteria provided, single submitter. Criteria: GeneDx Variant Classification Process June 2021. Collection method: clinical testing. Allele origin: germline. Affected: yes.
Comment: Has not been previously published as pathogenic or benign to our knowledge; Alters the Kozak sequence, which plays a major role in the initiation of translation; Located in the 3' untranslated region (UTR); in the absence of functional studies, the actual effect of this sequence change is unknown; No regulatory variants in the JPH2 gene have been reported in HGMD in association with JPH2-related disorders (HGMD)

Women's Health and Genetics/Laboratory Corporation of America, LabCorp
Classification: Uncertain significance. Last evaluated: 2023-08-19. Review status: criteria provided, single submitter. Criteria: LabCorp Variant Classification Summary - May 2015. Collection method: clinical testing. Allele origin: germline.

Ambry Genetics
Classification: Uncertain significance for Cardiovascular phenotype. Last evaluated: 2023-02-15. Review status: criteria provided, single submitter. Criteria: Ambry Variant Classification Scheme 2023. Collection method: clinical testing. Allele origin: germline.
Comment: The c.-4T>A variant is located in the 5' untranslated region (5&rsquo; UTR) of the JPH2 gene. This variant results from a T to A substitution 4 bases upstream from the first translated codon. This nucleotide position is well conserved in available vertebrate species. Since supporting evidence is limited at this time, the clinical significance of this alteration remains unclear.

NM_020433.5(JPH2):c.-4T>A

Gene: JPH2 (junctophilin 2; minus strand). Cytogenetic location: 20q13.12.
Variant type: single nucleotide variant.
Coding change: c.-4T>A on transcript NM_020433.5 (MANE Select); 4 bases upstream of the start codon, T replaced by A.
Molecular consequence: 5 prime UTR variant.
Genome position (GRCh38, 1-based): chr20:44,186,709, A>T on the plus strand (T>A on the coding strand, the complement: JPH2 is on the minus strand). VCF-style: chr20-44186709-A-T. GRCh37 (hg19) VCF-style: chr20-42815349-A-T.
Other names: c.-4T>A (NM_175913.4).
Identifiers: ClinVar variation 1744714 (VCV001744714.7), dbSNP rs761140357, ClinGen allele CA9868942.